The following is an entry in ClinVar:

ClinVar aggregate classification (germline): Conflicting classifications of pathogenicity. Review status: criteria provided, conflicting classifications (1 of 4 stars). 3 submissions from 3 submitters: Uncertain significance (2); Benign (1). Last evaluated 2025-11-05.

Conditions:
Alzheimer disease 3 (AD3). Also called: ALZHEIMER DISEASE, FAMILIAL, 3. Identifiers: Orphanet 1020, MedGen C1843013, MONDO:0011913, OMIM 607822.
Pick disease. Also called: Pick Disease of the Brain; Pick's disease; PICK DISEASE OF BRAIN; LOBAR ATROPHY OF BRAIN; DEMENTIA WITH LOBAR ATROPHY AND NEURONAL CYTOPLASMIC INCLUSIONS. Identifiers: Orphanet 282, MedGen C0236642, MONDO:0008243, OMIM 172700.
Acne inversa, familial, 3 (ACNINV3). Identifiers: MedGen C3151038, MONDO:0013398, OMIM 613737.
Frontotemporal dementia (FTD1). Also called: Dementia, frontotemporal, with or without parkinsonism; Frontotemporal Dementia with Parkinsonism-17 (FTDP-17); FRONTOTEMPORAL LOBAR DEGENERATION WITH TAU INCLUSIONS; FTLD WITH TAU INCLUSIONS; MULTIPLE SYSTEM TAUOPATHY WITH PRESENILE DEMENTIA; FRONTOTEMPORAL DEMENTIA WITH PARKINSONISM. Identifiers: Orphanet 282, MedGen C0338451, MONDO:0017276, OMIM 600274, HP:0002145.

Allele frequency attached by ClinVar (database versions not stated): gnomAD 0.00001; gnomAD exomes 0.00001; TOPMed 0.00001.
gnomAD v4.1: 11 of 1,613,884 alleles (0.00068%); highest among the groups gnomAD compares: Admixed American, 0.0067%; 1 homozygote.

Submissions (3):

Labcorp Genetics (formerly Invitae), Labcorp
Classification: Uncertain significance for Alzheimer disease 3; Pick disease; Acne inversa, familial, 3; Frontotemporal dementia. Last evaluated: 2025-11-05. Review status: criteria provided, single submitter. Criteria: Invitae Variant Classification Sherloc (09022015). Collection method: clinical testing. Allele origin: germline.
Comment: This sequence change replaces isoleucine, which is neutral and non-polar, with valine, which is neutral and non-polar, at codon 427 of the PSEN1 protein (p.Ile427Val). This variant is present in population databases (no rsID available, gnomAD 0.003%). This missense change has been observed in individual(s) with sudden unexplained death (PMID: 31847883). ClinVar contains an entry for this variant (Variation ID: 1178343). Invitae Evidence Modeling of protein sequence and biophysical properties (such as structural, functional, and spatial information, amino acid conservation, physicochemical variation, residue mobility, and thermodynamic stability) has been performed for this missense variant. However, the output from this modeling did not meet the statistical confidence thresholds required to predict the impact of this variant on PSEN1 protein function. In summary, the available evidence is currently insufficient to determine the role of this variant in disease. Therefore, it has been classified as a Variant of Uncertain Significance.

Women's Health and Genetics/Laboratory Corporation of America, LabCorp
Classification: Uncertain significance. Last evaluated: 2025-06-26. Review status: criteria provided, single submitter. Criteria: LabCorp Variant Classification Summary - May 2015. Collection method: clinical testing. Allele origin: germline.
Comment: Variant summary: PSEN1 c.1279A>G (p.Ile427Val) results in a conservative amino acid change in the encoded protein sequence. Algorithms developed to predict the effect of missense changes on protein structure and function are either unavailable or do not agree on the potential impact of this missense change. The variant allele was found at a frequency of 8e-06 in 251432 control chromosomes. The available data on variant occurrences in the general population are insufficient to allow any conclusion about variant significance. c.1279A>G has been observed in individual(s) affected with sudden death in the young (Salfati_2019). These report(s) do not provide unequivocal conclusions about association of the variant with Alzheimer Disease, Type 3. To our knowledge, no experimental evidence demonstrating an impact on protein function has been reported. The following publication have been ascertained in the context of this evaluation (PMID: 31847883). ClinVar contains an entry for this variant (Variation ID: 1178343). Based on the evidence outlined above, the variant was classified as uncertain significance.

Kosik Lab, Neuroscience Research Institute, University of California Santa Barbara
Classification: Benign for Alzheimer disease 3. Last evaluated: 2021-06-01. Review status: criteria provided, single submitter. Criteria: ACMG Guidelines, 2015. Collection method: case-control. Allele origin: inherited. Affected: no. Observed: 3 variant alleles. Study: TANGL.
Comment: Variant does not segregate with the illness in the family where it was identified.

Literature cited by the submitters: PubMed 31847883 (cited by Labcorp Genetics (formerly Invitae), Labcorp and Women's Health and Genetics/Laboratory Corporation of America, LabCorp); PubMed 18667258 (cited by Kosik Lab, Neuroscience Research Institute, University of California Santa Barbara).

NM_000021.4(PSEN1):c.1279A>G (p.Ile427Val)

Gene: PSEN1 (presenilin 1; plus strand). Cytogenetic location: 14q24.2.
Variant type: single nucleotide variant.
Coding change: c.1279A>G on transcript NM_000021.4 (MANE Select); coding-DNA position 1279, A replaced by G.
Protein change: p.Ile427Val; replaces isoleucine 427 with valine.
Molecular consequence: missense variant.
Genome position (GRCh38, 1-based): chr14:73,219,164, A>G. VCF-style: chr14-73219164-A-G. GRCh37 (hg19) VCF-style: chr14-73685872-A-G.
Other names: c.1267A>G, p.Ile423Val (NM_007318.3); short protein forms I423V, I427V.
Identifiers: ClinVar variation 1178343 (VCV001178343.9), dbSNP rs1398951357, ClinGen allele CA390306012.